The following is an entry in ClinVar:

NM_000443.4(ABCB4):c.1376A>G (p.Asp459Gly)

Gene: ABCB4 (ATP binding cassette subfamily B member 4; minus strand). Cytogenetic location: 7q21.12.
Variant type: single nucleotide variant.
Coding change: c.1376A>G on transcript NM_000443.4 (MANE Select); coding-DNA position 1376, A replaced by G.
Protein change: p.Asp459Gly; replaces aspartic acid 459 with glycine.
Molecular consequence: missense variant.
Genome position (GRCh38, 1-based): chr7:87,440,383, T>C on the plus strand (A>G on the coding strand, the complement: ABCB4 is on the minus strand). VCF-style: chr7-87440383-T-C. GRCh37 (hg19) VCF-style: chr7-87069699-T-C.
Other names: c.1376A>G, p.Asp459Gly (NM_018849.3, NM_018850.3); short protein forms D459G.
Identifiers: ClinVar variation 4846417 (VCV004846417.1).

ClinVar aggregate classification (germline): Likely pathogenic (1 of 4 stars; one submission).

Conditions:
Familial intrahepatic cholestasis. Identifiers: Orphanet 284385, MedGen CN296401, MONDO:0017290.

gnomAD v4.1: 6 of 1,614,018 alleles (0.00037%); highest among the groups gnomAD compares: Non-Finnish European, 0.00051%; no homozygotes.

Submission:

Genomenon, Inc
Classification: Likely pathogenic for Familial intrahepatic cholestasis. Last evaluated: 2026-04-14. Review status: criteria provided, single submitter. Criteria: Genomenon Sequence Variant Interpretation Standards - Updated. Collection method: curation. Allele origin: germline. Affected: yes.
Comment: ABCB4 p.Asp459Gly (c.1376A>G) is a missense variant that changes the amino acid at residue 459 from Aspartic acid to Glycine. This variant has been observed in at least one proband with an ABCB4-related disorder (PMID:22343912;38343606). The variant was found to segregate with disease in at least one affected family (PMID:22343912). It has been observed in trans with a pathogenic or likely pathogenic variant (PMID:22343912). It is absent or not present at a significant frequency in gnomAD. In silico models predict that this variant is possibly or probably damaging. In conclusion, we classify ABCB4 p.Asp459Gly (c.1376A>G) as a likely pathogenic variant.

Literature cited by the submitters: PubMed 22343912; PubMed 38343606.